The following is an entry in ClinVar:

ClinVar aggregate classification (germline): Uncertain significance (1 of 4 stars; one submission).

Conditions:
Long QT syndrome (LQTS). Identifiers: MedGen C0023976, MeSH D008133, MONDO:0002442. Disease mechanism: loss of function. Inheritance: Various modes of inheritance.

Submission:

Labcorp Genetics (formerly Invitae), Labcorp
Classification: Uncertain significance for Long QT syndrome. Last evaluated: 2022-08-01. Review status: criteria provided, single submitter. Criteria: Invitae Variant Classification Sherloc (09022015). Collection method: clinical testing. Allele origin: germline.
Comment: In summary, the available evidence is currently insufficient to determine the role of this variant in disease. Therefore, it has been classified as a Variant of Uncertain Significance. Algorithms developed to predict the effect of missense changes on protein structure and function (SIFT, PolyPhen-2, Align-GVGD) all suggest that this variant is likely to be disruptive. This variant has not been reported in the literature in individuals affected with CACNA1C-related conditions. This variant is not present in population databases (gnomAD no frequency). This sequence change replaces tryptophan, which is neutral and slightly polar, with cysteine, which is neutral and slightly polar, at codon 1486 of the CACNA1C protein (p.Trp1486Cys).

NM_000719.7(CACNA1C):c.4458G>C (p.Trp1486Cys)

Gene: CACNA1C (calcium voltage-gated channel subunit alpha1 C; plus strand). Cytogenetic location: 12p13.33.
Variant type: single nucleotide variant.
Coding change: c.4458G>C on transcript NM_000719.7 (MANE Select); coding-DNA position 4458, G replaced by C.
Protein change: p.Trp1486Cys; replaces tryptophan 1486 with cysteine.
Molecular consequence: missense variant.
Genome position (GRCh38, 1-based): chr12:2,665,640, G>C. VCF-style: chr12-2665640-G-C. GRCh37 (hg19) VCF-style: chr12-2774806-G-C.
Other names: c.4602G>C, p.Trp1534Cys (NM_001129827.2, NM_199460.4); c.4524G>C, p.Trp1508Cys (NM_001129829.2); c.4458G>C, p.Trp1486Cys (NM_001129830.3, NM_001129833.2, NM_001129843.2 and 7 more transcripts); c.4542G>C, p.Trp1514Cys (NM_001129831.2); c.4518G>C, p.Trp1506Cys (NM_001129832.2); c.4449G>C, p.Trp1483Cys (NM_001129844.2); c.4425G>C, p.Trp1475Cys (NM_001129846.2, NM_001167625.2, NM_001129837.2 and 1 more transcripts); c.4509G>C, p.Trp1503Cys (NM_001129836.2); and 1 more; short protein forms W1473C, W1475C, W1483C, W1486C, W1503C, W1506C, W1508C, W1514C.
Identifiers: ClinVar variation 1714596 (VCV001714596.6), dbSNP rs1555997277, ClinGen allele CA383376232.